The following is an entry in ClinVar:

NM_032634.4(PIGO):c.95G>A (p.Arg32His)

Gene: PIGO (phosphatidylinositol glycan anchor biosynthesis class O; minus strand). Cytogenetic location: 9p13.3.
Variant type: single nucleotide variant.
Coding change: c.95G>A on transcript NM_032634.4 (MANE Select); coding-DNA position 95, G replaced by A.
Protein change: p.Arg32His; replaces arginine 32 with histidine.
Molecular consequence: missense variant.
Genome position (GRCh38, 1-based): chr9:35,095,471, C>T on the plus strand (G>A on the coding strand, the complement: PIGO is on the minus strand). VCF-style: chr9-35095471-C-T. GRCh37 (hg19) VCF-style: chr9-35095468-C-T.
Other names: c.95G>A, p.Arg32His (NM_001201484.2, NM_152850.4); short protein forms R32H.
Identifiers: ClinVar variation 473240 (VCV000473240.8), dbSNP rs550039576, ClinGen allele CA5041007.

ClinVar aggregate classification (germline): Uncertain significance. Review status: criteria provided, multiple submitters, no conflicts (2 of 4 stars). 3 submissions from 3 submitters: Uncertain significance (2). 1 of the submissions does not count toward it. Last evaluated 2023-10-17.

Conditions:
Hyperphosphatasia with impaired intellectual development syndrome 2. Also called: GLYCOSYLPHOSPHATIDYLINOSITOL BIOSYNTHESIS DEFECT 6; Hyperphosphatasia with intellectual disability syndrome 2. Identifiers: Orphanet 247262, MedGen C3553637, MONDO:0013882, OMIM 614749.

Allele frequency attached by ClinVar (database versions not stated): ExAC 0.00001; gnomAD 0.00001; TOPMed 0.00001; gnomAD exomes 0.00001.
gnomAD v4.1: 17 of 1,613,494 alleles (0.0011%); highest among the groups gnomAD compares: Non-Finnish European, 0.0014%; no homozygotes.

Submissions (3):

ARUP Laboratories, Molecular Genetics and Genomics, ARUP Laboratories
Classification: Uncertain significance for Hyperphosphatasia with impaired intellectual development syndrome 2. Last evaluated: 2023-10-17. Review status: criteria provided, single submitter. Criteria: ARUP Molecular Germline Variant Investigation Process 2024. Collection method: clinical testing. Allele origin: germline.
Comment: Due to limited information, including a lack of clinical and/or functional data and an uninformative population frequency, the clinical significance of this variant is uncertain at this time.

Labcorp Genetics (formerly Invitae), Labcorp
Classification: Uncertain significance for Hyperphosphatasia with impaired intellectual development syndrome 2. Last evaluated: 2021-09-01. Review status: criteria provided, single submitter. Criteria: Invitae Variant Classification Sherloc (09022015). Collection method: clinical testing. Allele origin: germline.
Comment: This sequence change replaces arginine with histidine at codon 32 of the PIGO protein (p.Arg32His). The arginine residue is highly conserved and there is a small physicochemical difference between arginine and histidine. The frequency data for this variant in the population databases is considered unreliable, as metrics indicate poor data quality at this position in the ExAC database. This variant has not been reported in the literature in individuals affected with PIGO-related conditions. Algorithms developed to predict the effect of missense changes on protein structure and function (SIFT, PolyPhen-2, Align-GVGD) all suggest that this variant is likely to be disruptive. In summary, the available evidence is currently insufficient to determine the role of this variant in disease. Therefore, it has been classified as a Variant of Uncertain Significance.

Zotz-Klimas Genetics Lab, MVZ Zotz Klimas
Classification: Uncertain significance for Hyperphosphatasia with impaired intellectual development syndrome 2. Last evaluated: 2023-10-30. Review status: no assertion criteria provided. Collection method: clinical testing. Allele origin: germline. Affected: yes. Not counted in ClinVar's aggregate classification.